The following is an entry in ClinVar:

ClinVar aggregate classification (germline): Uncertain significance (1 of 4 stars; one submission).

Conditions:
Hereditary pancreatitis (PCTT). Also called: PRSS1-Related Hereditary Pancreatitis; Hereditary chronic pancreatitis. Identifiers: Orphanet 676, MedGen C0238339, MONDO:0008185, OMIM 167800.

Submission:

Ambry Genetics
Classification: Uncertain significance for Hereditary pancreatitis. Last evaluated: 2022-06-22. Review status: criteria provided, single submitter. Criteria: Ambry Variant Classification Scheme 2023. Collection method: clinical testing. Allele origin: germline.
Comment: The p.G277V variant (also known as c.830G>T), located in coding exon 8 of the CPA1 gene, results from a G to T substitution at nucleotide position 830. The glycine at codon 277 is replaced by valine, an amino acid with dissimilar properties. This amino acid position is highly conserved in available vertebrate species. In addition, the in silico prediction for this alteration is inconclusive. Since supporting evidence is limited at this time, the clinical significance of this alteration remains unclear.

NM_001868.4(CPA1):c.830G>T (p.Gly277Val)

Gene: CPA1 (carboxypeptidase A1; plus strand). Cytogenetic location: 7q32.2.
Variant type: single nucleotide variant.
Coding change: c.830G>T on transcript NM_001868.4 (MANE Select); coding-DNA position 830, G replaced by T.
Protein change: p.Gly277Val; replaces glycine 277 with valine.
Molecular consequence: missense variant.
Genome position (GRCh38, 1-based): chr7:130,385,188, G>T. VCF-style: chr7-130385188-G-T. GRCh37 (hg19) VCF-style: chr7-130025029-G-T.
Other names: short protein forms G277V.
Identifiers: ClinVar variation 1762876 (VCV001762876.2), dbSNP rs2117505915, ClinGen allele CA369283357.